The following is an entry in ClinVar:

NM_001031710.3(KLHL7):c.804G>A (p.Arg268=)

Gene: KLHL7 (kelch like family member 7; plus strand). Cytogenetic location: 7p15.3.
Variant type: single nucleotide variant.
Coding change: c.804G>A on transcript NM_001031710.3 (MANE Select); coding-DNA position 804, G replaced by A.
Protein change: p.Arg268=; no amino-acid change (arginine 268 retained).
Molecular consequence: synonymous variant. On other transcripts: non-coding transcript variant (1).
Genome position (GRCh38, 1-based): chr7:23,152,077, G>A. VCF-style: chr7-23152077-G-A. GRCh37 (hg19) VCF-style: chr7-23191696-G-A.
Other names: c.660G>A, p.Arg220= (NM_018846.5).
Identifiers: ClinVar variation 742061 (VCV000742061.14), dbSNP rs200256601, ClinGen allele CA4186493.

ClinVar aggregate classification (germline): Likely benign. Review status: criteria provided, multiple submitters, no conflicts (2 of 4 stars). 3 submissions from 3 submitters: Likely benign (2). 1 of the submissions does not count toward it. Last evaluated 2025-11-22.

Conditions:
KLHL7-related disorder. Also called: KLHL7-related condition; KLHL7-related disorders.

Allele frequency attached by ClinVar (database versions not stated): gnomAD exomes 0.00001 and 0.00005; ExAC 0.00002; gnomAD 0.00006 and 0.00007; 1000 Genomes Project 30x 0.00016; 1000 Genomes Project 0.00020; TOPMed 0.00022.
gnomAD v4.1: 35 of 1,613,872 alleles (0.0022%); highest among the groups gnomAD compares: Admixed American, 0.038%; no homozygotes.

Submissions (3):

Labcorp Genetics (formerly Invitae), Labcorp
Classification: Likely benign. Last evaluated: 2025-11-22. Review status: criteria provided, single submitter. Criteria: Invitae Variant Classification Sherloc (09022015). Collection method: clinical testing. Allele origin: germline.

Blueprint Genetics
Classification: Likely benign. Last evaluated: 2023-07-27. Review status: criteria provided, single submitter. Criteria: ACMG Guidelines, 2015. Collection method: clinical testing. Allele origin: germline.

PreventionGenetics, part of Exact Sciences
Classification: Likely benign for KLHL7-related condition. Last evaluated: 2024-01-20. Review status: no assertion criteria provided. Collection method: clinical testing. Allele origin: germline. Not counted in ClinVar's aggregate classification.
Comment: This variant is classified as likely benign based on ACMG/AMP sequence variant interpretation guidelines (Richards et al. 2015 PMID: 25741868, with internal and published modifications).